The following is an entry in ClinVar:

ClinVar aggregate classification (germline): Uncertain significance (1 of 4 stars; one submission).

Conditions:
Familial infantile myasthenia (CMS6). Also called: MYASTHENIC SYNDROME, CONGENITAL, 6, PRESYNAPTIC; Congenital myasthenic syndrome type 6; MYASTHENIC SYNDROME, PRESYNAPTIC, CONGENITAL, ASSOCIATED WITH EPISODIC APNEA. Identifiers: Orphanet 590, MedGen C0393929, MONDO:0009689, OMIM 254210.

Submission:

Labcorp Genetics (formerly Invitae), Labcorp
Classification: Uncertain significance for Familial infantile myasthenia. Last evaluated: 2022-08-09. Review status: criteria provided, single submitter. Criteria: Invitae Variant Classification Sherloc (09022015). Collection method: clinical testing. Allele origin: germline.
Comment: This sequence change creates a premature translational stop signal (p.Gly50Argfs*31) in the CHAT gene. However, it is currently unclear if variants that occur in this region of the gene cause disease. This variant is not present in population databases (gnomAD no frequency). This variant has not been reported in the literature in individuals affected with CHAT-related conditions. ClinVar contains an entry for this variant (Variation ID: 848380). In summary, the available evidence is currently insufficient to determine the role of this variant in disease. Therefore, it has been classified as a Variant of Uncertain Significance.

NM_020549.5(CHAT):c.146dup (p.Gly50fs)

Gene: CHAT (choline O-acetyltransferase; plus strand). Cytogenetic location: 10q11.23.
Variant type: Duplication.
Coding change: c.146dup on transcript NM_020549.5 (MANE Select); coding-DNA position 146, one base duplicated (G; older notation c.146dupG).
Protein change: p.Gly50fs; shifts the reading frame from glycine 50.
Molecular consequence: frameshift variant. On other transcripts: 5 prime UTR variant (4), intron variant (2).
Genome position (GRCh38, 1-based): chr10:49,614,335, G duplicated; the last of 2 consecutive G bases (chr10:49,614,334-49,614,335); duplicating either gives the same sequence. VCF-style (leftmost placement, unchanged base first): chr10-49614333-C-CG. GRCh37 (hg19) VCF-style: chr10-50822379-C-CG.
Other names: c.-209dup (NM_001142929.2, NM_020985.4); c.-171dup (NM_001142933.2); c.-279dup (NM_001142934.2); c.-68-2167dup (NM_020984.4); c.-69+1133dup (NM_020986.4); short protein forms G50fs.
Identifiers: ClinVar variation 848380 (VCV000848380.7), dbSNP rs1838395196, ClinGen allele CA916083126.